The following is an entry in ClinVar:

ClinVar aggregate classification (germline): Uncertain significance (1 of 4 stars; one submission).

Submission:

GeneDx
Classification: Uncertain significance. Last evaluated: 2025-02-27. Review status: criteria provided, single submitter. Criteria: GeneDx Variant Classification Process June 2021. Collection method: clinical testing. Allele origin: germline. Affected: yes.
Comment: Not observed at significant frequency in large population cohorts (gnomAD); In silico analysis supports that this missense variant has a deleterious effect on protein structure/function; Has not been previously published as pathogenic or benign to our knowledge

NM_021956.5(GRIK2):c.734T>C (p.Met245Thr)

Gene: GRIK2 (glutamate ionotropic receptor kainate type subunit 2; plus strand). Cytogenetic location: 6q16.3.
Variant type: single nucleotide variant.
Coding change: c.734T>C on transcript NM_021956.5 (MANE Select); coding-DNA position 734, T replaced by C.
Protein change: p.Met245Thr; replaces methionine 245 with threonine.
Molecular consequence: missense variant.
Genome position (GRCh38, 1-based): chr6:101,682,563, T>C. VCF-style: chr6-101682563-T-C. GRCh37 (hg19) VCF-style: chr6-102130438-T-C.
Other names: c.734T>C, p.Met245Thr (NM_001166247.1, NM_175768.3); short protein forms M245T.
Identifiers: ClinVar variation 4077233 (VCV004077233.1).